The following is an entry in ClinVar:

NM_003244.4(TGIF1):c.778C>T (p.Arg260Trp)

Gene: TGIF1 (TGFB induced factor homeobox 1; plus strand). Cytogenetic location: 18p11.31.
Variant type: single nucleotide variant.
Coding change: c.778C>T on transcript NM_003244.4 (MANE Select); coding-DNA position 778, C replaced by T.
Protein change: p.Arg260Trp; replaces arginine 260 with tryptophan.
Molecular consequence: missense variant.
Genome position (GRCh38, 1-based): chr18:3,457,899, C>T. VCF-style: chr18-3457899-C-T. GRCh37 (hg19) VCF-style: chr18-3457897-C-T.
Other names: c.787C>T, p.Arg263Trp (NM_001278682.2); c.778C>T, p.Arg260Trp (NM_001278684.2, NM_173208.3); c.718C>T, p.Arg240Trp (NM_001278686.3, NM_001374396.1, NM_001374397.1 and 5 more transcripts); c.820C>T, p.Arg274Trp (NM_173207.4); short protein forms R240W, R274W, R260W, R263W.
Identifiers: ClinVar variation 1943486 (VCV001943486.5), dbSNP rs768206922, ClinGen allele CA8876017.

ClinVar aggregate classification (germline): Uncertain significance (1 of 4 stars; one submission).

Conditions:
Holoprosencephaly 4 (HPE4). Identifiers: Orphanet 2162, MedGen C1840528, MONDO:0007734, OMIM 142946.

Allele frequency attached by ClinVar (database versions not stated): gnomAD exomes below 0.00001; TOPMed below 0.00001; ExAC 0.00001.
gnomAD v4.1: 6 of 1,602,260 alleles (0.00037%); highest among the groups gnomAD compares: Non-Finnish European, 0.00051%; no homozygotes.

Submission:

Labcorp Genetics (formerly Invitae), Labcorp
Classification: Uncertain significance for Holoprosencephaly 4. Last evaluated: 2023-10-03. Review status: criteria provided, single submitter. Criteria: Invitae Variant Classification Sherloc (09022015). Collection method: clinical testing. Allele origin: germline.
Comment: This sequence change replaces arginine, which is basic and polar, with tryptophan, which is neutral and slightly polar, at codon 260 of the TGIF1 protein (p.Arg260Trp). This variant is present in population databases (rs768206922, gnomAD 0.0009%). This variant has not been reported in the literature in individuals affected with TGIF1-related conditions. ClinVar contains an entry for this variant (Variation ID: 1943486). Advanced modeling of protein sequence and biophysical properties (such as structural, functional, and spatial information, amino acid conservation, physicochemical variation, residue mobility, and thermodynamic stability) performed at Invitae indicates that this missense variant is not expected to disrupt TGIF1 protein function. In summary, the available evidence is currently insufficient to determine the role of this variant in disease. Therefore, it has been classified as a Variant of Uncertain Significance.